The following is an entry in ClinVar:

NM_000812.4(GABRB1):c.586G>A (p.Gly196Arg)

Gene: GABRB1 (gamma-aminobutyric acid type A receptor subunit beta1; plus strand). Cytogenetic location: 4p12.
Variant type: single nucleotide variant.
Coding change: c.586G>A on transcript NM_000812.4 (MANE Select); coding-DNA position 586, G replaced by A.
Protein change: p.Gly196Arg; replaces glycine 196 with arginine.
Molecular consequence: missense variant.
Genome position (GRCh38, 1-based): chr4:47,403,359, G>A. VCF-style: chr4-47403359-G-A. GRCh37 (hg19) VCF-style: chr4-47405376-G-A.
Other names: short protein forms G196R.
Identifiers: ClinVar variation 1348672 (VCV001348672.14), dbSNP rs377538048, ClinGen allele CA2907642.
Genomic context (GRCh38, chr4:47,403,359, plus strand): 5'-CTGTTTTTATTGGTTTCAGATGGCTATACCACTGATGACATTGAATTTTACTGGAATGGA[G>A]GAGAAGGGGCAGTCACTGGTGTTAATAAAATCGAACTTCCTCAATTTTCAATTGTTGACT-3'
Protein context (NP_000803.2, residues 186-206): TDDIEFYWNG[Gly196Arg]EGAVTGVNKI

ClinVar aggregate classification (germline): Conflicting classifications of pathogenicity. Review status: criteria provided, conflicting classifications (1 of 4 stars). 2 submissions from 2 submitters: Uncertain significance (1); Likely benign (1). Last evaluated 2025-07-18.

Allele frequency attached by ClinVar (database versions not stated): gnomAD 0.00001; TOPMed 0.00002; ExAC 0.00004; gnomAD exomes 0.00004 and 0.00019; ESP Exome Variant Server 0.00008.
gnomAD v4.1: 268 of 1,613,918 alleles (0.017%); highest among the groups gnomAD compares: Non-Finnish European, 0.023%; no homozygotes.

Submissions (2):

Labcorp Genetics (formerly Invitae), Labcorp
Classification: Uncertain significance. Last evaluated: 2025-07-18. Review status: criteria provided, single submitter. Criteria: Invitae Variant Classification Sherloc (09022015). Collection method: clinical testing. Allele origin: germline.
Comment: This sequence change replaces glycine, which is neutral and non-polar, with arginine, which is basic and polar, at codon 196 of the GABRB1 protein (p.Gly196Arg). This variant is present in population databases (rs377538048, gnomAD 0.008%). This variant has not been reported in the literature in individuals affected with GABRB1-related conditions. ClinVar contains an entry for this variant (Variation ID: 1348672). An algorithm developed to predict the effect of missense changes on protein structure and function (PolyPhen-2) suggests that this variant is likely to be disruptive. In summary, the available evidence is currently insufficient to determine the role of this variant in disease. Therefore, it has been classified as a Variant of Uncertain Significance.

CeGaT Center for Human Genetics Tuebingen
Classification: Likely benign. Last evaluated: 2025-07-01. Review status: criteria provided, single submitter. Criteria: CeGaT Center For Human Genetics Tuebingen Variant Classification Criteria Version 2. Collection method: clinical testing. Allele origin: germline. Affected: yes. Observed: 1 variant allele.
Comment: GABRB1: PP2, BS1